The following is an entry in ClinVar:

ClinVar aggregate classification (germline): Uncertain significance (1 of 4 stars; one submission).

Allele frequency attached by ClinVar (database versions not stated): gnomAD exomes below 0.00001; ExAC 0.00001; gnomAD 0.00001; TOPMed 0.00002.
gnomAD v4.1: 4 of 1,612,288 alleles (0.00025%); highest among the groups gnomAD compares: African/African-American, 0.0053%; no homozygotes.

Submission:

Labcorp Genetics (formerly Invitae), Labcorp
Classification: Uncertain significance. Last evaluated: 2023-06-17. Review status: criteria provided, single submitter. Criteria: Invitae Variant Classification Sherloc (09022015). Collection method: clinical testing. Allele origin: germline.
Comment: In summary, the available evidence is currently insufficient to determine the role of this variant in disease. Therefore, it has been classified as a Variant of Uncertain Significance. Advanced modeling of protein sequence and biophysical properties (such as structural, functional, and spatial information, amino acid conservation, physicochemical variation, residue mobility, and thermodynamic stability) performed at Invitae indicates that this missense variant is not expected to disrupt KIF23 protein function. This variant has not been reported in the literature in individuals affected with KIF23-related conditions. This variant is present in population databases (rs755814129, gnomAD 0.007%). This sequence change replaces serine, which is neutral and polar, with asparagine, which is neutral and polar, at codon 476 of the KIF23 protein (p.Ser476Asn).

NM_001367805.3(KIF23):c.1469G>A (p.Ser490Asn)

Gene: KIF23 (kinesin family member 23; plus strand). Cytogenetic location: 15q23.
Variant type: single nucleotide variant.
Coding change: c.1469G>A on transcript NM_001367805.3 (MANE Select); coding-DNA position 1469, G replaced by A.
Protein change: p.Ser490Asn; replaces serine 490 with asparagine.
Molecular consequence: missense variant. On other transcripts: non-coding transcript variant (2).
Genome position (GRCh38, 1-based): chr15:69,436,594, G>A. VCF-style: chr15-69436594-G-A. GRCh37 (hg19) VCF-style: chr15-69728933-G-A.
Other names: c.1097G>A, p.Ser366Asn (NM_001281301.2); c.1427G>A, p.Ser476Asn (NM_001367804.2, NM_004856.7, NM_138555.4); short protein forms S476N, S490N, S366N.
Identifiers: ClinVar variation 3001496 (VCV003001496.3), dbSNP rs755814129, ClinGen allele CA7635202.
Genomic context (GRCh38, chr15:69,436,594, plus strand): 5'-CTTTTTGTAATTTTCTATAATTCAATACAGAACCATTGGTTACTGACGTGGTTTTGCAGA[G>A]TTTTCCACCTTTGCCATCATGCGAAATTTTGGATATCAACGATGAGCAGACACTTCCAAG-3'
Protein context (NP_001354734.1, residues 480-500): EPLVTDVVLQ[Ser490Asn]FPPLPSCEIL